The following is an entry in ClinVar:

NM_001164508.2(NEB):c.4548T>C (p.Tyr1516=)

Gene: NEB (nebulin; minus strand). Cytogenetic location: 2q23.3.
Variant type: single nucleotide variant.
Coding change: c.4548T>C on transcript NM_001164508.2 (MANE Select); coding-DNA position 4548, T replaced by C.
Protein change: p.Tyr1516=; no amino-acid change (tyrosine 1516 retained).
Molecular consequence: synonymous variant.
Genome position (GRCh38, 1-based): chr2:151,669,090, A>G on the plus strand (T>C on the coding strand, the complement: NEB is on the minus strand). VCF-style: chr2-151669090-A-G. GRCh37 (hg19) VCF-style: chr2-152525604-A-G.
Other names: c.4548T>C, p.Tyr1516= (NM_001164507.2, NM_001271208.2, NM_004543.5).
Identifiers: ClinVar variation 707294 (VCV000707294.44), dbSNP rs748479655, ClinGen allele CA1910590.
Genomic context (GRCh38, chr2:151,669,090, plus strand): 5'-ACTCATGTTGAGGGCGTTGACTTTGGCTTGAATAAACTGAGGCAATTCAGGGTCAATAGT[A>G]TACTTGTGCTTCAGTTTCTCTCCCTCTACCTTGTAGTTCAACTAAAAACAAAGGAGACAG-3'
Protein context (NP_001157980.2, residues 1506-1526): KVEGEKLKHK[Tyr1516=]TIDPELPQFI

ClinVar aggregate classification (germline): Conflicting classifications of pathogenicity. Review status: criteria provided, conflicting classifications (1 of 4 stars). 7 submissions from 7 submitters: Uncertain significance (1); Likely benign (4). 2 of the submissions do not count toward it. Last evaluated 2025-07-21.

Conditions:
NEB-related disorder. Also called: NEB-Related Disorders; NEB-related condition.
Nemaline myopathy 2 (NEM2). Also called: Nemaline myopathy 2, autosomal recessive. Identifiers: MedGen C1850569, MONDO:0009725, OMIM 256030.

Allele frequency attached by ClinVar (database versions not stated): gnomAD 0.00002; gnomAD exomes 0.00004 and 0.00006; TOPMed 0.00004; ExAC 0.00018.
gnomAD v4.1: 91 of 1,592,820 alleles (0.0057%); highest among the groups gnomAD compares: Middle Eastern, 0.099%; no homozygotes.

Submissions (7):

Labcorp Genetics (formerly Invitae), Labcorp
Classification: Likely benign for Nemaline myopathy 2. Last evaluated: 2025-07-21. Review status: criteria provided, single submitter. Criteria: Invitae Variant Classification Sherloc (09022015). Collection method: clinical testing. Allele origin: germline.

Blueprint Genetics
Classification: Likely benign. Last evaluated: 2024-08-21. Review status: criteria provided, single submitter. Criteria: ACMG Guidelines, 2015. Collection method: clinical testing. Allele origin: germline.

Revvity Omics, Revvity
Classification: Likely benign. Last evaluated: 2023-12-16. Review status: criteria provided, single submitter. Criteria: ACMG Guidelines, 2015. Collection method: clinical testing. Allele origin: germline.

CeGaT Center for Human Genetics Tuebingen
Classification: Likely benign. Last evaluated: 2023-03-01. Review status: criteria provided, single submitter. Criteria: CeGaT Center For Human Genetics Tuebingen Variant Classification Criteria Version 2. Collection method: clinical testing. Allele origin: germline. Affected: yes. Observed: 1 variant allele.
Comment: NEB: BP4, BP7

Illumina Laboratory Services, Illumina
Classification: Uncertain significance for Nemaline myopathy 2. Last evaluated: 2018-01-13. Review status: criteria provided, single submitter. Criteria: ICSL Variant Classification Criteria 13 December 2019. Collection method: clinical testing. Allele origin: germline.

PreventionGenetics, part of Exact Sciences
Classification: Likely benign for NEB-related condition. Last evaluated: 2024-07-30. Review status: no assertion criteria provided. Collection method: clinical testing. Allele origin: germline. Not counted in ClinVar's aggregate classification.
Comment: This variant is classified as likely benign based on ACMG/AMP sequence variant interpretation guidelines (Richards et al. 2015 PMID: 25741868, with internal and published modifications).

Natera, Inc.
Classification: Likely benign for Nemaline myopathy type 2. Last evaluated: 2020-05-02. Review status: no assertion criteria provided. Collection method: clinical testing. Allele origin: germline. Not counted in ClinVar's aggregate classification.